The following is an entry in ClinVar:

NM_201253.3(CRB1):c.254G>T (p.Cys85Phe)

Gene: CRB1 (crumbs cell polarity complex component 1; plus strand). Cytogenetic location: 1q31.3.
Variant type: single nucleotide variant.
Coding change: c.254G>T on transcript NM_201253.3 (MANE Select); coding-DNA position 254, G replaced by T.
Protein change: p.Cys85Phe; replaces cysteine 85 with phenylalanine.
Molecular consequence: missense variant. On other transcripts: non-coding transcript variant (2).
Genome position (GRCh38, 1-based): chr1:197,328,605, G>T. VCF-style: chr1-197328605-G-T. GRCh37 (hg19) VCF-style: chr1-197297735-G-T.
Other names: c.254G>T, p.Cys85Phe (NM_001193640.2, NM_001257966.2); c.47G>T, p.Cys16Phe (NM_001257965.2); short protein forms C16F, C85F.
Identifiers: ClinVar variation 2040059 (VCV002040059.4), dbSNP rs1553249226, ClinGen allele CA344085376.

ClinVar aggregate classification (germline): Uncertain significance (1 of 4 stars; one submission).

Conditions:
Retinitis pigmentosa 12 (RP12). Also called: RP WITH OR WITHOUT PPRPE; RP WITH OR WITHOUT PRESERVED PARAARTERIOLE RETINAL PIGMENT EPITHELIUM; RETINITIS PIGMENTOSA WITH OR WITHOUT PARAARTERIOLAR PRESERVATION OF RETINAL PIGMENT EPITHELIUM. Identifiers: Orphanet 791, MedGen C1838647, MONDO:0010818, OMIM 600105.
Leber congenital amaurosis 8 (LCA8). Identifiers: Orphanet 65, MedGen C3151202, MONDO:0013453, OMIM 613835.

Submission:

Labcorp Genetics (formerly Invitae), Labcorp
Classification: Uncertain significance for Leber congenital amaurosis 8; Retinitis pigmentosa 12. Last evaluated: 2021-12-11. Review status: criteria provided, single submitter. Criteria: Invitae Variant Classification Sherloc (09022015). Collection method: clinical testing. Allele origin: germline.
Comment: In summary, the available evidence is currently insufficient to determine the role of this variant in disease. Therefore, it has been classified as a Variant of Uncertain Significance. Advanced modeling of protein sequence and biophysical properties (such as structural, functional, and spatial information, amino acid conservation, physicochemical variation, residue mobility, and thermodynamic stability) performed at Invitae indicates that this missense variant is expected to disrupt CRB1 protein function. This variant has not been reported in the literature in individuals affected with CRB1-related conditions. This variant is not present in population databases (gnomAD no frequency). This sequence change replaces cysteine, which is neutral and slightly polar, with phenylalanine, which is neutral and non-polar, at codon 85 of the CRB1 protein (p.Cys85Phe).